The following is an entry in ClinVar:

NM_017986.4(SLC52A1):c.229G>A (p.Glu77Lys)

Gene: SLC52A1 (solute carrier family 52 member 1; minus strand). Cytogenetic location: 17p13.2.
Variant type: single nucleotide variant.
Coding change: c.229G>A on transcript NM_017986.4 (MANE Select); coding-DNA position 229, G replaced by A.
Protein change: p.Glu77Lys; replaces glutamic acid 77 with lysine.
Molecular consequence: missense variant.
Genome position (GRCh38, 1-based): chr17:5,034,260, C>T on the plus strand (G>A on the coding strand, the complement: SLC52A1 is on the minus strand). VCF-style: chr17-5034260-C-T. GRCh37 (hg19) VCF-style: chr17-4937555-C-T.
Other names: c.229G>A, p.Glu77Lys (NM_001104577.2); short protein forms E77K.
Identifiers: ClinVar variation 2741474 (VCV002741474.3), dbSNP rs376978383, ClinGen allele CA8319837.

ClinVar aggregate classification (germline): Uncertain significance (1 of 4 stars; one submission).

Conditions:
Vitamin B2 deficiency. Identifiers: MedGen C0035528.

Allele frequency attached by ClinVar (database versions not stated): ExAC 0.00007; gnomAD exomes 0.00005; TOPMed 0.00001; ESP Exome Variant Server 0.00008; gnomAD 0.00001.
gnomAD v4.1: 67 of 1,611,308 alleles (0.0042%); highest among the groups gnomAD compares: Non-Finnish European, 0.0053%; no homozygotes.

Submission:

Labcorp Genetics (formerly Invitae), Labcorp
Classification: Uncertain significance for Vitamin B2 deficiency. Last evaluated: 2025-12-16. Review status: criteria provided, single submitter. Criteria: Invitae Variant Classification Sherloc (09022015). Collection method: clinical testing. Allele origin: germline.
Comment: This sequence change replaces glutamic acid, which is acidic and polar, with lysine, which is basic and polar, at codon 77 of the SLC52A1 protein (p.Glu77Lys). This variant is present in population databases (rs376978383, gnomAD 0.01%). This variant has not been reported in the literature in individuals affected with SLC52A1-related conditions. ClinVar contains an entry for this variant (Variation ID: 2741474). Invitae Evidence Modeling of protein sequence and biophysical properties (such as structural, functional, and spatial information, amino acid conservation, physicochemical variation, residue mobility, and thermodynamic stability) has been performed for this missense variant. However, the output from this modeling did not meet the statistical confidence thresholds required to predict the impact of this variant on SLC52A1 protein function. In summary, the available evidence is currently insufficient to determine the role of this variant in disease. Therefore, it has been classified as a Variant of Uncertain Significance.